The following is an entry in ClinVar:

NM_000158.4(GBE1):c.69_86del (p.Asp24_Ala29del)

Gene: GBE1 (1,4-alpha-glucan branching enzyme 1; minus strand). Cytogenetic location: 3p12.2.
Variant type: Deletion.
Coding change: c.69_86del on transcript NM_000158.4 (MANE Select); coding-DNA positions 69 to 86, 18 bases deleted (TGACGTGCCCGAACTGGC).
Protein change: p.Asp24_Ala29del.
Molecular consequence: inframe deletion.
Genome position (GRCh38, 1-based): chr3:81,761,432-81,761,449, GCCAGTTCGGGCACGTCA deleted on the plus strand (TGACGTGCCCGAACTGGC on the coding strand, the reverse complement: GBE1 is on the minus strand); deleting any 18 consecutive bases within chr3:81,761,432-81,761,454 gives the same sequence; the c. name uses the placement nearest the transcript's 3' end. VCF-style (leftmost placement, unchanged base first): chr3-81761431-GGCCAGTTCGGGCACGTCA-G. GRCh37 (hg19) VCF-style: chr3-81810582-GGCCAGTTCGGGCACGTCA-G.
Identifiers: ClinVar variation 5003404 (VCV005003404.1).

ClinVar aggregate classification (germline): Uncertain significance (1 of 4 stars; one submission).

Conditions:
Glycogen storage disease, type IV (GSD4). Also called: Glycogen storage disease due to glycogen branching enzyme deficiency; AMYLOPECTINOSIS; ANDERSEN DISEASE; BRANCHER DEFICIENCY; CIRRHOSIS, FAMILIAL, WITH DEPOSITION OF ABNORMAL GLYCOGEN; GBE1 DEFICIENCY. Identifiers: Orphanet 367, MedGen C0017923, MONDO:0009292, OMIM 232500.

Submission:

Myriad Genetics, Inc.
Classification: Uncertain significance for Glycogen storage disease, type IV. Last evaluated: 2025-10-23. Review status: criteria provided, single submitter. Criteria: Myriad Autosomal Dominant, Autosomal Recessive and X-Linked Classification Criteria (2023). Collection method: clinical testing. Allele origin: unknown.
Comment: NM_000158.3(GBE1):c.69_86del18(D24_A29del) is an in-frame deletion classified as a variant of uncertain significance in the context of glycogen storage disease, GBE1-related. D24_A29del has not been observed in cases with relevant disease. Relevant functional assessments of this variant are not available in the literature. D24_A29del has not been observed in referenced population frequency databases. In summary, there is insufficient evidence to classify NM_000158.3(GBE1):c.69_86del18(D24_A29del) as pathogenic or benign. Please note: this variant was assessed in the context of healthy population screening.